The following is an entry in ClinVar:

ClinVar aggregate classification (germline): Uncertain significance (1 of 4 stars; one submission).

gnomAD v4.1: 2 of 1,523,670 alleles (0.00013%); highest among the groups gnomAD compares: Non-Finnish European, 0.00018%; no homozygotes.

Submission:

GeneDx
Classification: Uncertain significance. Last evaluated: 2025-01-07. Review status: criteria provided, single submitter. Criteria: GeneDx Variant Classification Process June 2021. Collection method: clinical testing. Allele origin: germline. Affected: yes.
Comment: Not observed at significant frequency in large population cohorts (gnomAD); In silico analysis indicates that this missense variant does not alter protein structure/function; Has not been previously published as pathogenic or benign to our knowledge

NM_000218.3(KCNQ1):c.218C>T (p.Pro73Leu)

Gene: KCNQ1 (potassium voltage-gated channel subfamily Q member 1; plus strand). Cytogenetic location: 11p15.5.
Variant type: single nucleotide variant.
Coding change: c.218C>T on transcript NM_000218.3 (MANE Select); coding-DNA position 218, C replaced by T.
Protein change: p.Pro73Leu; replaces proline 73 with leucine.
Molecular consequence: missense variant. On other transcripts: 5 prime UTR variant (1).
Genome position (GRCh38, 1-based): chr11:2,445,316, C>T. VCF-style: chr11-2445316-C-T. GRCh37 (hg19) VCF-style: chr11-2466546-C-T.
Other names: c.218C>T, p.Pro73Leu (NM_001406836.1, NM_001406838.1); c.-145C>T (NM_001406837.1); short protein forms P73L.
Identifiers: ClinVar variation 4056063 (VCV004056063.1).